The following is an entry in ClinVar:

NM_001146334.2(NACAD):c.2280C>T (p.Ser760=)

Gene: NACAD (NAC alpha domain containing; minus strand). Cytogenetic location: 7p13.
Variant type: single nucleotide variant.
Coding change: c.2280C>T on transcript NM_001146334.2 (MANE Select); coding-DNA position 2280, C replaced by T.
Protein change: p.Ser760=; no amino-acid change (serine 760 retained).
Molecular consequence: synonymous variant.
Genome position (GRCh38, 1-based): chr7:45,083,900, G>A on the plus strand (C>T on the coding strand, the complement: NACAD is on the minus strand). VCF-style: chr7-45083900-G-A. GRCh37 (hg19) VCF-style: chr7-45123499-G-A.
Identifiers: ClinVar variation 2657445 (VCV002657445.24), dbSNP rs1428699232, ClinGen allele CA455151423.

ClinVar aggregate classification (germline): Likely benign (1 of 4 stars; one submission).

Submission:

CeGaT Center for Human Genetics Tuebingen
Classification: Likely benign. Last evaluated: 2022-12-01. Review status: criteria provided, single submitter. Criteria: CeGaT Center For Human Genetics Tuebingen Variant Classification Criteria Version 2. Collection method: clinical testing. Allele origin: germline. Affected: yes. Observed: 1 variant allele.
Comment: NACAD: BP4, BP7